The following is an entry in ClinVar:

Conditions:
Long QT syndrome 5 (LQT5). Identifiers: Orphanet 101016, Orphanet 768, MedGen C1867904, MONDO:0013372, OMIM 613695.

Submission:

Roden Lab, Vanderbilt University Medical Center
No classification provided (evidence only). Condition: Long QT syndrome 5. Review status: no classification provided. Collection method: in vitro. Allele origin: not applicable. Functional consequence: Effect on ion channel function.
ClinVar note: "not provided" was previously submitted as the classification for the variant. However, the classification appeared to be based only on an observation of functional data so it was converted to no classification on 2025-07-30.

NM_000219.6(KCNE1):c.324C>A (p.Val108=)

Gene: KCNE1 (potassium voltage-gated channel subfamily E regulatory subunit 1; minus strand). Cytogenetic location: 21q22.12.
Variant type: single nucleotide variant.
Coding change: c.324C>A on transcript NM_000219.6 (MANE Select); coding-DNA position 324, C replaced by A.
Protein change: p.Val108=; no amino-acid change (valine 108 retained).
Molecular consequence: synonymous variant.
Genome position (GRCh38, 1-based): chr21:34,449,311, G>T on the plus strand (C>A on the coding strand, the complement: KCNE1 is on the minus strand). VCF-style: chr21-34449311-G-T. GRCh37 (hg19) VCF-style: chr21-35821609-G-T.
Other names: c.324C>A, p.Val108= (NM_001127668.4, NM_001127669.4, NM_001127670.4 and 4 more transcripts).
Identifiers: ClinVar variation 3374641 (VCV003374641.2).
Genomic context (GRCh38, chr21:34,449,311, plus strand): 5'-GGAAGGCTTCGTCTCAGGAAGGTGTGTGTTGGGTTGTTCTATGGCCAGATGGTTTTCAAC[G>T]ACATAGCACGACCTGTAGCTCTCCAGGACCCGGGCCTGGACATAGGCCTTGTCCTTCTCT-3'
Protein context (NP_000210.2, residues 98-118): RVLESYRSCY[Val108=]VENHLAIEQP